The following is an entry in ClinVar:

ClinVar aggregate classification (germline): Uncertain significance. Review status: criteria provided, multiple submitters, no conflicts (2 of 4 stars). 2 submissions from 2 submitters: Uncertain significance (2). Last evaluated 2026-10-23.

Conditions:
Inborn genetic diseases. Identifiers: MedGen C0950123, MeSH D030342.
Weiss-Kruszka syndrome. Also called: Metopic ridging-ptosis-facial dysmorphism syndrome. Identifiers: Orphanet 502430, MedGen C5568107, MONDO:0032836, OMIM 618619.

Submissions (2):

Gene Mapping Laboratory, Hacettepe University
Classification: Uncertain significance for Weiss-Kruszka syndrome. Last evaluated: 2026-10-23. Review status: criteria provided, single submitter. Criteria: ACMG Guidelines, 2015. Collection method: research. Allele origin: paternal. Inheritance: Autosomal dominant inheritance. Affected: yes. Observed: 1 variant allele, 1 heterozygote.
Comment: This variant is rare in population databases (PM2). ZNF462 gene has fewer than expected missense variants in gnomAD (Z-score: 4.89, PP2).

Ambry Genetics
Classification: Uncertain significance for Inborn genetic diseases. Last evaluated: 2025-11-13. Review status: criteria provided, single submitter. Criteria: Ambry Variant Classification Scheme 2023. Collection method: clinical testing. Allele origin: germline.

NM_021224.6(ZNF462):c.2523G>T (p.Arg841Ser)

Gene: ZNF462 (zinc finger protein 462; plus strand). Cytogenetic location: 9q31.2.
Variant type: single nucleotide variant.
Coding change: c.2523G>T on transcript NM_021224.6 (MANE Select); coding-DNA position 2523, G replaced by T.
Protein change: p.Arg841Ser; replaces arginine 841 with serine.
Molecular consequence: missense variant.
Genome position (GRCh38, 1-based): chr9:106,926,435, G>T. VCF-style: chr9-106926435-G-T. GRCh37 (hg19) VCF-style: chr9-109688716-G-T.
Other names: c.2523G>T, p.Arg841Ser (NM_001347997.2); short protein forms R841S.
Identifiers: ClinVar variation 4635231 (VCV004635231.2).
Genomic context (GRCh38, chr9:106,926,435, plus strand): 5'-AACTCCCATCTATGGGACTGAGCACAATAGTGAAAACACAGACTTTGGTGACTCTGGAAG[G>T]CTTTACTATTGTAAACACTGTGACTTTAACAACAAATCTGCCCGGAGTGTTAGCACCCAC-3'
Protein context (NP_067047.4, residues 831-851): SENTDFGDSG[Arg841Ser]LYYCKHCDFN